The following is an entry in ClinVar:

NM_000478.6(ALPL):c.223G>A (p.Gly75Ser)

Gene: ALPL (alkaline phosphatase, biomineralization associated; plus strand). Cytogenetic location: 1p36.12.
Variant type: single nucleotide variant.
Coding change: c.223G>A on transcript NM_000478.6 (MANE Select); coding-DNA position 223, G replaced by A.
Protein change: p.Gly75Ser; replaces glycine 75 with serine.
Molecular consequence: missense variant. On other transcripts: intron variant (1).
Genome position (GRCh38, 1-based): chr1:21,561,138, G>A. VCF-style: chr1-21561138-G-A. GRCh37 (hg19) VCF-style: chr1-21887631-G-A.
Other names: c.223G>A (NM_000478.5); c.58G>A, p.Gly20Ser (NM_001127501.4); c.223G>A, p.Gly75Ser (NM_001369803.2, NM_001369804.2, NM_001369805.2); c.66+393G>A (NM_001177520.3); short protein forms G20S, G75S.
Identifiers: ClinVar variation 1070178 (VCV001070178.12), dbSNP rs1304394441, ClinGen allele CA338877969.

ClinVar aggregate classification (germline): Pathogenic/Likely pathogenic. Review status: criteria provided, multiple submitters, no conflicts (2 of 4 stars). 4 submissions from 4 submitters: Pathogenic (2); Likely pathogenic (2). Last evaluated 2025-08-29.

Conditions:
Hypophosphatasia. Also called: Phosphoethanol-aminuria. Identifiers: Orphanet 436, MedGen C0020630, MeSH D007014, MONDO:0018570.
Adult hypophosphatasia. Identifiers: Orphanet 247676, Orphanet 436, MedGen C0268413, MONDO:1010154, OMIM 146300, MONDO:0007798.

Allele frequency attached by ClinVar (database versions not stated): gnomAD exomes below 0.00001.
gnomAD v4.1: 1 of 1,613,426 alleles (0.000062%); highest among the groups gnomAD compares: Non-Finnish European, 0.000085%; no homozygotes.

Submissions (4):

Genomenon, Inc
Classification: Pathogenic for Hypophosphatasia. Last evaluated: 2025-08-29. Review status: criteria provided, single submitter. Criteria: Genomenon Sequence Variant Interpretation Standards. Collection method: curation. Allele origin: germline. Affected: yes.
Comment: ALPL c.223G>A is a missense variant that changes the amino acid at residue 75 from Glycine to Serine. This variant has been observed in at least one proband affected with hypophosphatasia (PMID:25731960;9781036). At least one functional study has demonstrated a substantial alteration in protein function relative to the wild-type (PMID:10332035). This variant is also reported as Gly58Ser in the literature. It is absent or not present at a significant frequency in gnomAD. In silico models agree that this variant is possibly or probably damaging. In conclusion, we classify ALPL p.Gly75Ser (c.223G>A) as a pathogenic variant.

Labcorp Genetics (formerly Invitae), Labcorp
Classification: Pathogenic. Last evaluated: 2025-03-25. Review status: criteria provided, single submitter. Criteria: Invitae Variant Classification Sherloc (09022015). Collection method: clinical testing. Allele origin: germline.
Comment: This sequence change replaces glycine, which is neutral and non-polar, with serine, which is neutral and polar, at codon 75 of the ALPL protein (p.Gly75Ser). This variant is not present in population databases (gnomAD no frequency). This missense change has been observed in individual(s) with hypophosphatasia (PMID: 9781036, 25731960). This variant is also known as Gly58Ser. ClinVar contains an entry for this variant (Variation ID: 1070178). Invitae Evidence Modeling of protein sequence and biophysical properties (such as structural, functional, and spatial information, amino acid conservation, physicochemical variation, residue mobility, and thermodynamic stability) indicates that this missense variant is expected to disrupt ALPL protein function with a positive predictive value of 95%. For these reasons, this variant has been classified as Pathogenic.

Natera, Inc.
Classification: Likely pathogenic for Hypophosphatasia. Last evaluated: 2024-12-17. Review status: criteria provided, single submitter. Criteria: Natera Variant Classification Schema (03/2026). Collection method: clinical testing. Allele origin: germline.
Comment: The c.223G>A variant in ALPL is a missense variant predicted to cause substitution of glycine to serine at amino acid 75. This variant is rare in the general population with a frequency below the threshold expected for the associated phenotype(s). This variant has been observed in one or more individuals affected with the associated recessive disease, as either homozygous or compound heterozygous with a second variant (PMID: 25731960, 32973344). Functional studies show that this variant may disrupt protein function (PMID: 10332035). Computational prediction algorithms indicate this variant is likely to affect gene or protein function. Given the available evidence, this variant is classified as Likely Pathogenic.

Baylor Genetics
Classification: Likely pathogenic for Adult hypophosphatasia. Last evaluated: 2022-11-18. Review status: criteria provided, single submitter. Criteria: ACMG Guidelines, 2015. Collection method: clinical testing. Allele origin: unknown.

Literature cited by the submitters: PubMed 25731960 (cited by 3 submitters); PubMed 9781036 (cited by Genomenon, Inc and Labcorp Genetics (formerly Invitae), Labcorp); PubMed 10332035 (cited by Genomenon, Inc and Natera, Inc.); PubMed 32973344 (cited by Natera, Inc.).